The following is an entry in ClinVar:

ClinVar aggregate classification (germline): Likely benign (1 of 4 stars; one submission).

Conditions:
SEMA3B-related disorder. Also called: SEMA3B-related condition.

Submission:

PreventionGenetics, part of Exact Sciences
Classification: Likely benign for SEMA3B-related condition. Last evaluated: 2026-08-12. Review status: criteria provided, single submitter. Criteria: ACMG Guidelines, 2015. Collection method: clinical testing. Allele origin: germline.
Comment: This variant is classified as likely benign based on ACMG/AMP sequence variant interpretation guidelines (Richards et al. 2015 PMID: 25741868, with internal and published modifications).

NM_001290060.2(SEMA3B):c.1521G>A (p.Ala507=)

Gene: SEMA3B (semaphorin 3B; plus strand). Cytogenetic location: 3p21.31.
Variant type: single nucleotide variant.
Coding change: c.1521G>A on transcript NM_001290060.2 (MANE Select); coding-DNA position 1521, G replaced by A.
Protein change: p.Ala507=; no amino-acid change (alanine 507 retained).
Molecular consequence: synonymous variant.
Genome position (GRCh38, 1-based): chr3:50,275,331, G>A. VCF-style: chr3-50275331-G-A. GRCh37 (hg19) VCF-style: chr3-50312762-G-A.
Other names: c.1518G>A, p.Ala506= (NM_001005914.3, NM_001435957.1, NM_001435958.1); c.1536G>A, p.Ala512= (NM_001290061.1); c.492G>A, p.Ala164= (NM_001290062.2, NM_001290063.2); c.1521G>A, p.Ala507= (NM_001435956.1, NM_004636.4).
Identifiers: ClinVar variation 4997860 (VCV004997860.1).